The following is an entry in ClinVar:

ClinVar aggregate classification (germline): Uncertain significance (1 of 4 stars; one submission).

Submission:

Labcorp Genetics (formerly Invitae), Labcorp
Classification: Uncertain significance. Last evaluated: 2025-10-19. Review status: criteria provided, single submitter. Criteria: Invitae Variant Classification Sherloc (09022015). Collection method: clinical testing. Allele origin: germline.
Comment: This sequence change replaces threonine, which is neutral and polar, with serine, which is neutral and polar, at codon 435 of the COL9A2 protein (p.Thr435Ser). This variant is not present in population databases (gnomAD no frequency). This variant has not been reported in the literature in individuals affected with COL9A2-related conditions. Invitae Evidence Modeling of protein sequence and biophysical properties (such as structural, functional, and spatial information, amino acid conservation, physicochemical variation, residue mobility, and thermodynamic stability) indicates that this missense variant is not expected to disrupt COL9A2 protein function with a negative predictive value of 95%. In summary, the available evidence is currently insufficient to determine the role of this variant in disease. Therefore, it has been classified as a Variant of Uncertain Significance.

NM_001852.4(COL9A2):c.1303A>T (p.Thr435Ser)

Gene: COL9A2 (collagen type IX alpha 2 chain; minus strand). Cytogenetic location: 1p34.2.
Variant type: single nucleotide variant.
Coding change: c.1303A>T on transcript NM_001852.4 (MANE Select); coding-DNA position 1303, A replaced by T.
Protein change: p.Thr435Ser; replaces threonine 435 with serine.
Molecular consequence: missense variant.
Genome position (GRCh38, 1-based): chr1:40,304,084, T>A on the plus strand (A>T on the coding strand, the complement: COL9A2 is on the minus strand). VCF-style: chr1-40304084-T-A. GRCh37 (hg19) VCF-style: chr1-40769756-T-A.
Other names: short protein forms T435S.
Identifiers: ClinVar variation 4799884 (VCV004799884.1).
Genomic context (GRCh38, chr1:40,304,084, plus strand): 5'-AGGGTTGGGGGTCGCTGGGAACAGGGGTGCTGGAACTCACCACTTTGCCGCGGGGCCCGG[T>A]CTTCCCTGGGGAGCCCTGGAGAAAGCGGGCAGTGAGGGGTTTGGCGAGCTCCCCCCTCCA-3'
Protein context (NP_001843.1, residues 425-445): VKGDKGSPGK[Thr435Ser]GPRGKVGDPG